The following is an entry in ClinVar:

NM_000038.6(APC):c.1461G>A (p.Gly487=)

Gene: APC (APC regulator of Wnt signaling pathway; plus strand). Cytogenetic location: 5q22.2.
Variant type: single nucleotide variant.
Coding change: c.1461G>A on transcript NM_000038.6 (MANE Select); coding-DNA position 1461, G replaced by A.
Protein change: p.Gly487=; no amino-acid change (glycine 487 retained).
Molecular consequence: synonymous variant.
Genome position (GRCh38, 1-based): chr5:112,827,160, G>A. VCF-style: chr5-112827160-G-A. GRCh37 (hg19) VCF-style: chr5-112162857-G-A.
Other names: c.1461G>A, p.Gly487= (NM_001127510.3, NM_001354895.2); c.1407G>A, p.Gly469= (NM_001127511.3); c.1515G>A, p.Gly505= (NM_001354896.2); c.1491G>A, p.Gly497= (NM_001354897.2); c.1386G>A, p.Gly462= (NM_001354898.2); c.1377G>A, p.Gly459= (NM_001354899.2); c.1338G>A, p.Gly446= (NM_001354900.2); c.1284G>A, p.Gly428= (NM_001354901.2); and 5 more.
Identifiers: ClinVar variation 482478 (VCV000482478.16), dbSNP rs1554081682, ClinGen allele CA445755919.
Genomic context (GRCh38, chr5:112,827,160, plus strand): 5'-TAAATTAGGGGGACTACAGGCCATTGCAGAATTATTGCAAGTGGACTGTGAAATGTATGG[G>A]CTTACTAATGACCACTACAGTATTACACTAAGACGATATGCTGGAATGGCTTTGACAAAC-3'
Protein context (NP_000029.2, residues 477-497): ELLQVDCEMY[Gly487=]LTNDHYSITL

ClinVar aggregate classification (germline): Benign/Likely benign. Review status: criteria provided, multiple submitters, no conflicts (2 of 4 stars). 4 submissions from 4 submitters: Benign (1); Likely benign (3). Last evaluated 2024-08-19.

Conditions:
Hereditary cancer-predisposing syndrome. Also called: Neoplastic Syndromes, Hereditary; Tumor predisposition; Hereditary Cancer Syndrome; Hereditary neoplastic syndrome. Identifiers: Orphanet 140162, MedGen C0027672, MeSH D009386, MONDO:0015356.
Familial adenomatous polyposis 1 (FAP1). Also called: FAMILIAL ADENOMATOUS POLYPOSIS 1, ATTENUATED; POLYPOSIS, ADENOMATOUS INTESTINAL. Identifiers: MedGen C2713442, MONDO:0021056, OMIM 175100. Disease mechanism: loss of function.
Classic or attenuated familial adenomatous polyposis. Identifiers: MedGen CN372698, MONDO:0021057.

Allele frequency attached by ClinVar (database versions not stated): gnomAD exomes below 0.00001.
gnomAD v4.1: 5 of 1,613,650 alleles (0.00031%); highest among the groups gnomAD compares: South Asian, 0.0011%; no homozygotes.

Submissions (4):

Labcorp Genetics (formerly Invitae), Labcorp
Classification: Likely benign for Familial adenomatous polyposis 1. Last evaluated: 2024-08-19. Review status: criteria provided, single submitter. Criteria: Invitae Variant Classification Sherloc (09022015). Collection method: clinical testing. Allele origin: germline.

Myriad Genetics, Inc.
Classification: Benign for Familial adenomatous polyposis 1. Last evaluated: 2024-03-01. Review status: criteria provided, single submitter. Criteria: Myriad Autosomal Dominant, Autosomal Recessive and X-Linked Classification Criteria (2023). Collection method: clinical testing. Allele origin: unknown.
Comment: This variant is considered benign. This variant is a silent/synonymous amino acid change and it is not expected to impact splicing.

All of Us Research Program, National Institutes of Health
Classification: Likely benign for Classic or attenuated familial adenomatous polyposis. Last evaluated: 2023-10-06. Review status: criteria provided, single submitter. Criteria: ACMG Guidelines, 2015. Collection method: clinical testing. Allele origin: germline. Inheritance: Autosomal dominant inheritance. Observed: 1 variant allele, 1 heterozygote.
Comment: This study involves interpretation of variants in research participants for the purpose of population health screening. Participant phenotype was not available at the time of variant classification. Additional details can be found in publication PMID: 35346344, PMCID: PMC8962531

Ambry Genetics
Classification: Likely benign for Hereditary cancer-predisposing syndrome. Last evaluated: 2017-05-17. Review status: criteria provided, single submitter. Criteria: Ambry Variant Classification Scheme 2023. Collection method: clinical testing. Allele origin: germline.